The following is an entry in ClinVar:

NM_001011551.3(C1GALT1C1):c.152A>G (p.Asp51Gly)

Gene: C1GALT1C1 (C1GALT1 specific chaperone 1; minus strand). Cytogenetic location: Xq24.
Variant type: single nucleotide variant.
Coding change: c.152A>G on transcript NM_001011551.3 (MANE Select); coding-DNA position 152, A replaced by G.
Protein change: p.Asp51Gly; replaces aspartic acid 51 with glycine.
Molecular consequence: missense variant.
Genome position (GRCh38, 1-based): chrX:120,627,015, T>C on the plus strand (A>G on the coding strand, the complement: C1GALT1C1 is on the minus strand). VCF-style: chrX-120627015-T-C. GRCh37 (hg19) VCF-style: chrX-119760870-T-C.
Other names: c.152A>G, p.Asp51Gly (NM_152692.5); short protein forms D51G.
Identifiers: ClinVar variation 1479927 (VCV001479927.8), dbSNP rs371463304, ClinGen allele CA10505993.
Genomic context (GRCh38, chrX:120,627,015, plus strand): 5'-CAGTATACTCGAAAGCTCTTACTGAGCTCCATGCGCTCATCCTCTGAAATTTTCAAGATA[T>C]CTTCTTTGTTAGGAGCTTGTAGGTGATGATGCTCATGGTGGTGCATTCTATTTCCATGAC-3'
Protein context (NP_001011551.1, residues 41-61): HHHLQAPNKE[Asp51Gly]ILKISEDERM

ClinVar aggregate classification (germline): Uncertain significance (1 of 4 stars; one submission).

Conditions:
Polyagglutinable erythrocyte syndrome (TNPS). Also called: TN POLYAGGLUTINATION SYNDROME, SOMATIC; TN POLYAGGLUTINATION SYNDROME; GALACTOSYLTRANSFERASE DEFICIENCY. Identifiers: MedGen C0272137, MONDO:0010381, OMIM 300622.

Allele frequency attached by ClinVar (database versions not stated): ExAC 0.00001; gnomAD 0.00001; gnomAD exomes 0.00001; ESP Exome Variant Server 0.00009.

Submission:

Labcorp Genetics (formerly Invitae), Labcorp
Classification: Uncertain significance for Polyagglutinable erythrocyte syndrome. Last evaluated: 2021-02-16. Review status: criteria provided, single submitter. Criteria: Invitae Variant Classification Sherloc (09022015). Collection method: clinical testing. Allele origin: germline.
Comment: Algorithms developed to predict the effect of missense changes on protein structure and function (SIFT, PolyPhen-2, Align-GVGD) all suggest that this variant is likely to be tolerated, but these predictions have not been confirmed by published functional studies and their clinical significance is uncertain. This variant has not been reported in the literature in individuals with C1GALT1C1-related conditions. This variant is present in population databases (rs371463304, ExAC 0.01%). This sequence change replaces aspartic acid with glycine at codon 51 of the C1GALT1C1 protein (p.Asp51Gly). The aspartic acid residue is moderately conserved and there is a moderate physicochemical difference between aspartic acid and glycine. Algorithms developed to predict the effect of sequence changes on RNA splicing suggest that this variant may create or strengthen a splice site, but this prediction has not been confirmed by published transcriptional studies. In summary, the available evidence is currently insufficient to determine the role of this variant in disease. Therefore, it has been classified as a Variant of Uncertain Significance.